The following is an entry in ClinVar:

ClinVar aggregate classification (germline): Pathogenic (1 of 4 stars; one submission).

Conditions:
Parathyroid carcinoma (PRTC). Also called: Parathyroid gland carcinoma; CDC73-Related Parathyroid Carcinoma. Identifiers: Orphanet 143, MedGen C0687150, MONDO:0012004, OMIM 608266, HP:0006780.

Submission:

Labcorp Genetics (formerly Invitae), Labcorp
Classification: Pathogenic for Parathyroid carcinoma. Last evaluated: 2019-10-10. Review status: criteria provided, single submitter. Criteria: Invitae Variant Classification Sherloc (09022015). Collection method: clinical testing. Allele origin: germline.
Comment: This variant is a gross deletion of the genomic region encompassing exons 1-2 of the CDC73 gene, which includes the initiator codon. The 5' end of this event is unknown as it extends beyond the assayed region for this gene and therefore may encompass additional genes. The 3' boundary is likely confined to intron 2 of the CDC73 gene. This is expected to result in an absent or disrupted protein product. This variant has not been reported in the literature in individuals with CDC73-related conditions. Loss-of-function variants in CDC73 are known to be pathogenic (PMID: 12434154). For these reasons, this variant has been classified as Pathogenic.

Literature cited by the submitters: PubMed 12434154.

NC_000001.11:g.(?_193122201)_(193125227_?)del

Gene: CDC73 (cell division cycle 73; plus strand). Cytogenetic location: 1q31.2.
Variant type: Deletion.
Identifiers: ClinVar variation 830741 (VCV000830741.2).